The following is an entry in ClinVar:

ClinVar aggregate classification (germline): Uncertain significance. Review status: criteria provided, multiple submitters, no conflicts (2 of 4 stars). 2 submissions from 2 submitters: Uncertain significance (2). Last evaluated 2022-11-01.

Conditions:
Early-infantile DEE. Also called: Early infantile epileptic encephalopathy; Early infantile epileptic encephalopathy with suppression bursts; Ohtahara syndrome. Identifiers: Orphanet 1934, MedGen C0393706, MONDO:0800491.

Submissions (2):

Labcorp Genetics (formerly Invitae), Labcorp
Classification: Uncertain significance for Early-infantile DEE. Last evaluated: 2022-11-01. Review status: criteria provided, single submitter. Criteria: Invitae Variant Classification Sherloc (09022015). Collection method: clinical testing. Allele origin: germline.
Comment: In summary, the available evidence is currently insufficient to determine the role of this variant in disease. Therefore, it has been classified as a Variant of Uncertain Significance. Advanced modeling of protein sequence and biophysical properties (such as structural, functional, and spatial information, amino acid conservation, physicochemical variation, residue mobility, and thermodynamic stability) performed at Invitae indicates that this missense variant is expected to disrupt SCN1A protein function. ClinVar contains an entry for this variant (Variation ID: 1012966). This variant has not been reported in the literature in individuals affected with SCN1A-related conditions. This variant is not present in population databases (gnomAD no frequency). This sequence change replaces glutamine, which is neutral and polar, with lysine, which is basic and polar, at codon 381 of the SCN1A protein (p.Gln381Lys).

CeGaT Center for Human Genetics Tuebingen
Classification: Uncertain significance. Last evaluated: 2020-10-01. Review status: criteria provided, single submitter. Criteria: CeGaT Center For Human Genetics Tuebingen Variant Classification Criteria Version 2. Collection method: clinical testing. Allele origin: germline. Affected: yes. Observed: 1 variant allele.

NM_001165963.4(SCN1A):c.1141C>A (p.Gln381Lys)

Gene: SCN1A (sodium voltage-gated channel alpha subunit 1; minus strand). Cytogenetic location: 2q24.3.
Variant type: single nucleotide variant.
Coding change: c.1141C>A on transcript NM_001165963.4 (MANE Select); coding-DNA position 1141, C replaced by A.
Protein change: p.Gln381Lys; replaces glutamine 381 with lysine.
Molecular consequence: missense variant. On other transcripts: 5 prime UTR variant (1), non-coding transcript variant (1).
Genome position (GRCh38, 1-based): chr2:166,047,656, G>T on the plus strand (C>A on the coding strand, the complement: SCN1A is on the minus strand). VCF-style: chr2-166047656-G-T. GRCh37 (hg19) VCF-style: chr2-166904166-G-T.
Other names: c.1141C>A, p.Gln381Lys (NM_001165964.3, NM_001202435.3, NM_001353948.2 and 10 more transcripts); c.-1285C>A (NM_001353961.2); short protein forms Q381K.
Identifiers: ClinVar variation 1012966 (VCV001012966.43), dbSNP rs1553547403, ClinGen allele CA349071130.